The following is an entry in ClinVar:

ClinVar aggregate classification (germline): Pathogenic (1 of 4 stars; one submission).

Conditions:
Nemaline myopathy 2 (NEM2). Also called: Nemaline myopathy 2, autosomal recessive. Identifiers: MedGen C1850569, MONDO:0009725, OMIM 256030.

Submission:

Labcorp Genetics (formerly Invitae), Labcorp
Classification: Pathogenic for Nemaline myopathy 2. Last evaluated: 2022-08-06. Review status: criteria provided, single submitter. Criteria: Invitae Variant Classification Sherloc (09022015). Collection method: clinical testing. Allele origin: germline.
Comment: This variant is a gross deletion of the genomic region encompassing exon(s) 57-60 of the NEB gene. This variant would be expected to be in-frame, preserving the integrity of the reading frame. This variant has not been reported in the literature in individuals affected with NEB-related conditions. This variant disrupts a region of the NEB protein in which other variant(s) (p.Glu2674Lys) have been determined to be pathogenic (Invitae). This suggests that this is a clinically significant region of the protein, and that variants that disrupt it are likely to be disease-causing. For these reasons, this variant has been classified as Pathogenic.

NC_000002.11:g.(?_152499078)_(152500653_?)del

Gene: NEB (nebulin; minus strand). Cytogenetic location: 2q23.3.
Variant type: Deletion.
Identifiers: ClinVar variation 2424076 (VCV002424076.3).